The following is an entry in ClinVar:

NM_001032283.3(TMPO):c.565+1567C>T

Gene: TMPO (thymopoietin; plus strand). Cytogenetic location: 12q23.1.
Variant type: single nucleotide variant.
Coding change: c.565+1567C>T on transcript NM_001032283.3 (MANE Select); 1567 bases into the intron after coding-DNA position 565, C replaced by T.
Molecular consequence: intron variant. On other transcripts: missense variant (1).
Genome position (GRCh38, 1-based): chr12:98,533,405, C>T. VCF-style: chr12-98533405-C-T. GRCh37 (hg19) VCF-style: chr12-98927183-C-T.
Other names: c.1148C>T, p.Ser383Phe (NM_003276.2); c.565+1567C>T (NM_001307975.2, NM_001032284.3); short protein forms S383F.
Identifiers: ClinVar variation 1498863 (VCV001498863.13), dbSNP rs202166461, ClinGen allele CA242224693.
Genomic context (GRCh38, chr12:98,533,405, plus strand): 5'-CTGAGAGCTCACAACTAATTTCTCCGCCACTTGCCCAGGCAATCAGAGATTATGTCAATT[C>T]TCTGTTGGTCCAGGGTGGGGTAGGTAGTTTGCCTGGAACTTCTAACTCTATGCCCCCACT-3'

ClinVar aggregate classification (germline): Uncertain significance. Review status: criteria provided, multiple submitters, no conflicts (2 of 4 stars). 3 submissions from 3 submitters: Uncertain significance (3). Last evaluated 2025-11-24.

Conditions:
Loeys-Dietz syndrome 2 (LDS2). Also called: Marfan syndrome, type 2 (formerly); TGFBR2-Related Loeys-Dietz Syndrome; Marfan Syndrome type 2; Marfan like connective tissue disorder; MFS 2; AORTIC ANEURYSM, FAMILIAL THORACIC 3. Identifiers: Orphanet 284973, Orphanet 558, MedGen C2674574, MONDO:0012427, OMIM 610168.

Allele frequency attached by ClinVar (database versions not stated): gnomAD 0.00001; gnomAD exomes 0.00001; TOPMed 0.00002; 1000 Genomes Project 0.00020; 1000 Genomes Project 30x 0.00031.
gnomAD v4.1: 21 of 1,614,200 alleles (0.0013%); highest among the groups gnomAD compares: Admixed American, 0.03%; no homozygotes.

Submissions (3):

Ambry Genetics
Classification: Uncertain significance. Last evaluated: 2025-11-24. Review status: criteria provided, single submitter. Criteria: Ambry Variant Classification Scheme 2023. Collection method: clinical testing. Allele origin: germline.
Comment: The p.S383F variant (also known as c.1148C>T), located in coding exon 4 of the TMPO gene, results from a C to T substitution at nucleotide position 1148. The serine at codon 383 is replaced by phenylalanine, an amino acid with highly dissimilar properties. This amino acid position is conserved. In addition, the in silico prediction for this alteration is inconclusive. Since supporting evidence is limited at this time, the clinical significance of this alteration remains unclear.

Labcorp Genetics (formerly Invitae), Labcorp
Classification: Uncertain significance for Loeys-Dietz syndrome 2. Last evaluated: 2024-07-16. Review status: criteria provided, single submitter. Criteria: Invitae Variant Classification Sherloc (09022015). Collection method: clinical testing. Allele origin: germline.
Comment: This sequence change replaces serine, which is neutral and polar, with phenylalanine, which is neutral and non-polar, at codon 383 of the TMPO protein (p.Ser383Phe). This variant is present in population databases (rs202166461, gnomAD 0.003%). This variant has not been reported in the literature in individuals affected with TMPO-related conditions. ClinVar contains an entry for this variant (Variation ID: 1498863). Advanced modeling of protein sequence and biophysical properties (such as structural, functional, and spatial information, amino acid conservation, physicochemical variation, residue mobility, and thermodynamic stability) performed at Invitae indicates that this missense variant is not expected to disrupt TMPO protein function with a negative predictive value of 80%. In summary, the available evidence is currently insufficient to determine the role of this variant in disease. Therefore, it has been classified as a Variant of Uncertain Significance.

GeneDx
Classification: Uncertain significance. Last evaluated: 2023-02-28. Review status: criteria provided, single submitter. Criteria: GeneDx Variant Classification Process June 2021. Collection method: clinical testing. Allele origin: germline. Affected: yes.
Comment: Has not been previously published as pathogenic or benign to our knowledge; Not observed at significant frequency in large population cohorts (gnomAD); In silico analysis supports that this missense variant does not alter protein structure/function